The following is an entry in ClinVar:

ClinVar aggregate classification (germline): Uncertain significance (1 of 4 stars; one submission).

Submission:

GeneDx
Classification: Uncertain significance. Last evaluated: 2026-03-18. Review status: criteria provided, single submitter. Criteria: GeneDx Variant Classification Process June 2021. Collection method: clinical testing. Allele origin: germline.
Comment: Not observed at significant frequency in large population cohorts (gnomAD); In silico analysis supports that this missense variant has a deleterious effect on protein structure/function; Has not been previously published as pathogenic or benign to our knowledge

NM_015015.3(KDM4B):c.1943A>T (p.Asp648Val)

Gene: KDM4B (lysine demethylase 4B; plus strand). Cytogenetic location: 19p13.3.
Variant type: single nucleotide variant.
Coding change: c.1943A>T on transcript NM_015015.3 (MANE Select); coding-DNA position 1943, A replaced by T.
Protein change: p.Asp648Val; replaces aspartic acid 648 with valine.
Molecular consequence: missense variant.
Genome position (GRCh38, 1-based): chr19:5,133,919, A>T. VCF-style: chr19-5133919-A-T. GRCh37 (hg19) VCF-style: chr19-5133930-A-T.
Other names: c.2045A>T, p.Asp682Val (NM_001411148.1); short protein forms D648V, D682V.
Identifiers: ClinVar variation 5017024 (VCV005017024.1).